The following is an entry in ClinVar:

ClinVar aggregate classification (germline): Uncertain significance (1 of 4 stars; one submission).

Submission:

Labcorp Genetics (formerly Invitae), Labcorp
Classification: Uncertain significance. Last evaluated: 2022-03-10. Review status: criteria provided, single submitter. Criteria: Invitae Variant Classification Sherloc (09022015). Collection method: clinical testing. Allele origin: germline.
Comment: In summary, the available evidence is currently insufficient to determine the role of this variant in disease. Therefore, it has been classified as a Variant of Uncertain Significance. This variant has not been reported in the literature in individuals affected with PPP2CA-related conditions. Experimental studies and prediction algorithms are not available or were not evaluated, and the functional significance of this variant is currently unknown. This variant is not present in population databases (gnomAD no frequency). This variant, c.476_478del, results in the deletion of 1 amino acid(s) of the PPP2CA protein (p.Val159del), but otherwise preserves the integrity of the reading frame.

NM_002715.4(PPP2CA):c.473TGG[1] (p.Val159del)

Gene: PPP2CA (protein phosphatase 2 catalytic subunit alpha; minus strand). Cytogenetic location: 5q31.1.
Variant type: Microsatellite.
Coding change: c.473TGG[1] on transcript NM_002715.4 (MANE Select); one copy of the 3-base unit TGG starting at c.473; the reference has two copies in a row; one copy, 3 bases deleted.
Protein change: p.Val159del; deletes valine 159.
Molecular consequence: inframe deletion. On other transcripts: non-coding transcript variant (1).
Genome position (GRCh38, 1-based): chr5:134,201,856-134,201,858, CCA deleted on the plus strand (TGG on the coding strand, the reverse complement: PPP2CA is on the minus strand); deleting any 3 consecutive bases within chr5:134,201,856-134,201,861 gives the same sequence; the position shown is the placement nearest the transcript's 3' end. VCF-style (leftmost placement, unchanged base first): chr5-134201855-TCCA-T. GRCh37 (hg19) VCF-style: chr5-133537546-TCCA-T.
Other names: c.278TGG[1], p.Val94del (NM_001355019.2); short protein forms V94del, V159del.
Identifiers: ClinVar variation 2108610 (VCV002108610.4), dbSNP rs2481051237, ClinGen allele CA2580613665.